The following is an entry in ClinVar:

NM_003482.4(KMT2D):c.14788A>T (p.Thr4930Ser)

Gene: KMT2D (lysine methyltransferase 2D; minus strand). Cytogenetic location: 12q13.12.
Variant type: single nucleotide variant.
Coding change: c.14788A>T on transcript NM_003482.4 (MANE Select); coding-DNA position 14788, A replaced by T.
Protein change: p.Thr4930Ser; replaces threonine 4930 with serine.
Molecular consequence: missense variant.
Genome position (GRCh38, 1-based): chr12:49,027,178, T>A on the plus strand (A>T on the coding strand, the complement: KMT2D is on the minus strand). VCF-style: chr12-49027178-T-A. GRCh37 (hg19) VCF-style: chr12-49420961-T-A.
Other names: short protein forms T4930S.
Identifiers: ClinVar variation 1367047 (VCV001367047.21), dbSNP rs1942641823, ClinGen allele CA384691732.

ClinVar aggregate classification (germline): Uncertain significance. Review status: criteria provided, multiple submitters, no conflicts (2 of 4 stars). 2 submissions from 2 submitters: Uncertain significance (2). Last evaluated 2024-12-01.

Conditions:
Kabuki syndrome. Also called: Kabuki make-up syndrome; NIIKAWA-KUROKI SYNDROME. Identifiers: Orphanet 2322, MedGen C0796004, MONDO:0016512.

gnomAD v4.1: 1 of 1,513,936 alleles (0.000066%); highest among the groups gnomAD compares: Non-Finnish European, 0.000088%; no homozygotes.

Submissions (2):

CeGaT Center for Human Genetics Tuebingen
Classification: Uncertain significance. Last evaluated: 2024-12-01. Review status: criteria provided, single submitter. Criteria: CeGaT Center For Human Genetics Tuebingen Variant Classification Criteria Version 2. Collection method: clinical testing. Allele origin: germline. Affected: yes. Observed: 1 variant allele.
Comment: KMT2D: PM2, BP4

Labcorp Genetics (formerly Invitae), Labcorp
Classification: Uncertain significance for Kabuki syndrome. Last evaluated: 2021-07-13. Review status: criteria provided, single submitter. Criteria: Invitae Variant Classification Sherloc (09022015). Collection method: clinical testing. Allele origin: germline.
Comment: This sequence change replaces threonine with serine at codon 4930 of the KMT2D protein (p.Thr4930Ser). The threonine residue is weakly conserved and there is a small physicochemical difference between threonine and serine. This variant is not present in population databases (ExAC no frequency). This variant has not been reported in the literature in individuals affected with KMT2D-related conditions. Advanced modeling of protein sequence and biophysical properties (such as structural, functional, and spatial information, amino acid conservation, physicochemical variation, residue mobility, and thermodynamic stability) performed at Invitae indicates that this missense variant is not expected to disrupt KMT2D protein function. In summary, the available evidence is currently insufficient to determine the role of this variant in disease. Therefore, it has been classified as a Variant of Uncertain Significance.